The following is an entry in ClinVar:

ClinVar aggregate classification (germline): Uncertain significance. Review status: criteria provided, multiple submitters, no conflicts (2 of 4 stars). 5 submissions from 5 submitters: Uncertain significance (4). 1 of the submissions does not count toward it. Last evaluated 2025-05-29.

Conditions:
Classic or attenuated familial adenomatous polyposis. Identifiers: MedGen CN372698, MONDO:0021057.
Hereditary cancer-predisposing syndrome. Also called: Neoplastic Syndromes, Hereditary; Hereditary neoplastic syndrome; Tumor predisposition; Hereditary Cancer Syndrome. Identifiers: Orphanet 140162, MedGen C0027672, MeSH D009386, MONDO:0015356.
Malignant tumor of breast. Also called: Malignant breast neoplasm; Cancer breast. Identifiers: MedGen C0006142, MONDO:0007254. Disease mechanism: loss of function.
Familial adenomatous polyposis 1 (FAP1). Also called: FAMILIAL ADENOMATOUS POLYPOSIS 1, ATTENUATED; POLYPOSIS, ADENOMATOUS INTESTINAL. Identifiers: MedGen C2713442, MONDO:0021056, OMIM 175100. Disease mechanism: loss of function.

Allele frequency attached by ClinVar (database versions not stated): gnomAD exomes below 0.00001; ExAC 0.00001.
gnomAD v4.1: 2 of 1,613,730 alleles (0.00012%); highest among the groups gnomAD compares: South Asian, 0.0022%; no homozygotes.

Submissions (5):

Ambry Genetics
Classification: Uncertain significance for Hereditary cancer-predisposing syndrome. Last evaluated: 2025-05-29. Review status: criteria provided, single submitter. Criteria: Ambry Variant Classification Scheme 2023. Collection method: clinical testing. Allele origin: germline.
Comment: The p.T1895I variant (also known as c.5684C>T), located in coding exon 15 of the APC gene, results from a C to T substitution at nucleotide position 5684. The threonine at codon 1895 is replaced by isoleucine, an amino acid with similar properties. This amino acid position is not well conserved in available vertebrate species. In addition, in silico predictors for this gene do not accurately predict pathogenicity. Missense alterations in APC are not a common cause of disease (Spier I et al. Genet Med. 2024 Feb;26(2):100992). Based on the available evidence, the clinical significance of this variant remains unclear.

Labcorp Genetics (formerly Invitae), Labcorp
Classification: Uncertain significance for Familial adenomatous polyposis 1. Last evaluated: 2025-03-16. Review status: criteria provided, single submitter. Criteria: Invitae Variant Classification Sherloc (09022015). Collection method: clinical testing. Allele origin: germline.
Comment: This sequence change replaces threonine, which is neutral and polar, with isoleucine, which is neutral and non-polar, at codon 1895 of the APC protein (p.Thr1895Ile). This variant is present in population databases (rs752605851, gnomAD 0.003%). This variant has not been reported in the literature in individuals affected with APC-related conditions. ClinVar contains an entry for this variant (Variation ID: 523085). Invitae Evidence Modeling of protein sequence and biophysical properties (such as structural, functional, and spatial information, amino acid conservation, physicochemical variation, residue mobility, and thermodynamic stability) indicates that this missense variant is not expected to disrupt APC protein function with a negative predictive value of 95%. In summary, the available evidence is currently insufficient to determine the role of this variant in disease. Therefore, it has been classified as a Variant of Uncertain Significance.

All of Us Research Program, National Institutes of Health
Classification: Uncertain significance for Classic or attenuated familial adenomatous polyposis. Last evaluated: 2023-08-15. Review status: criteria provided, single submitter. Criteria: ACMG Guidelines, 2015. Collection method: clinical testing. Allele origin: germline. Inheritance: Autosomal dominant inheritance. Observed: 1 variant allele, 1 heterozygote.
Comment: This missense variant replaces threonine with isoleucine at codon 1895 of the APC protein. Computational prediction suggests that this variant may not impact protein structure and function (internally defined REVEL score threshold <= 0.5, PMID: 27666373). To our knowledge, functional studies have not been reported for this variant. This variant has not been reported in individuals affected with APC-related disorders in the literature. This variant has been identified in 1/250954 chromosomes in the general population by the Genome Aggregation Database (gnomAD). The available evidence is insufficient to determine the role of this variant in disease conclusively. Therefore, this variant is classified as a Variant of Uncertain Significance.

This study involves interpretation of variants in research participants for the purpose of population health screening. Participant phenotype was not available at the time of variant classification. Additional details can be found in publication PMID: 35346344, PMCID: PMC8962531

GeneDx
Classification: Uncertain significance. Last evaluated: 2018-03-27. Review status: criteria provided, single submitter. Criteria: GeneDx Variant Classification (06012015). Collection method: clinical testing. Allele origin: germline. Affected: yes.
Comment: This variant is denoted APC c.5684C>T at the cDNA level, p.Thr1895Ile (T1895I) at the protein level, and results in the change of a Threonine to an Isoleucine (ACC>ATC). This variant has not, to our knowledge, been published in the literature as pathogenic or benign. APC Thr1895Ile was not observed at a significant allele frequency in large population cohorts (Lek 2016). This variant is located in 20-aa repeat Beta-catenin down-regulating domain and the SAMP repeats/axin binding domain (Azzopardi 2008). In silico analysis, which includes protein predictors and evolutionary conservation, supports that this variant does not alter protein structure/function. Based on currently available evidence, it is unclear whether APC Thr1895Ile is a pathogenic or benign variant. We consider it to be a variant of uncertain significance.

Department of Pathology and Laboratory Medicine, Sinai Health System
Classification: Uncertain significance for Malignant tumor of breast. Review status: no assertion criteria provided. Collection method: clinical testing. Allele origin: unknown. Affected: yes. Observed: 1 variant allele. Study: The Canadian Open Genetics Repository (COGR). Not counted in ClinVar's aggregate classification.
Comment: The APC p.Thr1895Ile variant was not identified in the literature nor was it identified in the LOVD 3.0, or UMD-LSDB. The variant was identified in dbSNP (ID: rs752605851) as "With Uncertain significance allele", and in ClinVar (classified as uncertain significance by GeneDx). The variant was identified in control databases in 1 of 245714 chromosomes at a frequency of 0.000004 (Genome Aggregation Database Feb 27, 2017). The variant was observed in the South Asian population in 1 of 30774 chromosomes (freq: 0.00003), but not in the African, Other, Latino, European, Ashkenazi Jewish, East Asian, or Finnish, populations. The p.Thr1895 residue is not conserved in mammals and four out of five computational analyses (PolyPhen-2, SIFT, AlignGVGD, BLOSUM, MutationTaster) do not suggest a high likelihood of impact to the protein; however, this information is not predictive enough to rule out pathogenicity. The variant occurs outside of the splicing consensus sequence and in silico or computational prediction software programs (SpliceSiteFinder, MaxEntScan, NNSPLICE, GeneSplicer) do not predict a difference in splicing. In summary, based on the above information the clinical significance of this variant cannot be determined with certainty at this time. This variant is classified as a variant of uncertain significance.

NM_000038.6(APC):c.5684C>T (p.Thr1895Ile)

Gene: APC (APC regulator of Wnt signaling pathway; plus strand). Cytogenetic location: 5q22.2.
Variant type: single nucleotide variant.
Coding change: c.5684C>T on transcript NM_000038.6 (MANE Select); coding-DNA position 5684, C replaced by T.
Protein change: p.Thr1895Ile; replaces threonine 1895 with isoleucine.
Molecular consequence: missense variant.
Genome position (GRCh38, 1-based): chr5:112,841,278, C>T. VCF-style: chr5-112841278-C-T. GRCh37 (hg19) VCF-style: chr5-112176975-C-T.
Other names: c.5684C>T, p.Thr1895Ile (NM_001127510.3, NM_001354895.2); c.5630C>T, p.Thr1877Ile (NM_001127511.3); c.5738C>T, p.Thr1913Ile (NM_001354896.2); c.5714C>T, p.Thr1905Ile (NM_001354897.2); c.5609C>T, p.Thr1870Ile (NM_001354898.2); c.5600C>T, p.Thr1867Ile (NM_001354899.2); c.5561C>T, p.Thr1854Ile (NM_001354900.2); c.5507C>T, p.Thr1836Ile (NM_001354901.2); and 5 more; short protein forms T1877I, T1895I, T1735I, T1870I, T1905I, T1769I, T1836I, T1913I.
Identifiers: ClinVar variation 523085 (VCV000523085.14), dbSNP rs752605851, ClinGen allele CA042591.
Genomic context (GRCh38, chr5:112,841,278, plus strand): 5'-CCAGGGAAAAGGCTGAATTAAGAAAGGCAAAAGAAAATAAGGAATCAGAGGCTAAAGTTA[C>T]CAGCCACACAGAACTAACCTCCAACCAACAATCAGCTAATAAGACACAAGCTATTGCAAA-3'
Protein context (NP_000029.2, residues 1885-1905): KENKESEAKV[Thr1895Ile]SHTELTSNQQ